The following is an entry in ClinVar:

NM_020975.6(RET):c.262A>C (p.Ile88Leu)

Gene: RET (ret proto-oncogene; plus strand). Cytogenetic location: 10q11.21.
Variant type: single nucleotide variant.
Coding change: c.262A>C on transcript NM_020975.6 (MANE Select); coding-DNA position 262, A replaced by C.
Protein change: p.Ile88Leu; replaces isoleucine 88 with leucine.
Molecular consequence: missense variant. On other transcripts: intron variant (4).
Genome position (GRCh38, 1-based): chr10:43,100,647, A>C. VCF-style: chr10-43100647-A-C. GRCh37 (hg19) VCF-style: chr10-43596095-A-C.
Other names: c.262A>C, p.Ile88Leu (NM_001406766.1, NM_001406767.1, NM_001406770.1 and 34 more transcripts); c.74-8384A>C (NM_001406784.1); c.74-11452A>C (NM_001406794.1, NM_001406792.1, NM_001406793.1); short protein forms I88L.
Identifiers: ClinVar variation 2812459 (VCV002812459.3), dbSNP rs141679950, ClinGen allele CA040257.

ClinVar aggregate classification (germline): Uncertain significance (1 of 4 stars; one submission).

Conditions:
Multiple endocrine neoplasia, type 2 (MEN2). Identifiers: Orphanet 653, MedGen C4048306, MONDO:0019003. Disease mechanism: gain of function.

gnomAD v4.1: 1 of 1,613,214 alleles (0.000062%); highest among the groups gnomAD compares: Non-Finnish European, 0.000085%; no homozygotes.

Submission:

Labcorp Genetics (formerly Invitae), Labcorp
Classification: Uncertain significance for Multiple endocrine neoplasia, type 2. Last evaluated: 2023-01-24. Review status: criteria provided, single submitter. Criteria: Invitae Variant Classification Sherloc (09022015). Collection method: clinical testing. Allele origin: germline.
Comment: In summary, the available evidence is currently insufficient to determine the role of this variant in disease. Therefore, it has been classified as a Variant of Uncertain Significance. Algorithms developed to predict the effect of missense changes on protein structure and function (SIFT, PolyPhen-2, Align-GVGD) all suggest that this variant is likely to be tolerated. This variant has not been reported in the literature in individuals affected with RET-related conditions. This variant is present in population databases (rs141679950, gnomAD 0.0009%). This sequence change replaces isoleucine, which is neutral and non-polar, with leucine, which is neutral and non-polar, at codon 88 of the RET protein (p.Ile88Leu).